The following is an entry in ClinVar:

ClinVar aggregate classification (germline): Pathogenic/Likely pathogenic. Review status: criteria provided, multiple submitters, no conflicts (2 of 4 stars). 6 submissions from 6 submitters: Pathogenic (3); Likely pathogenic (2). 1 of the submissions does not count toward it. Last evaluated 2024-06-15.

Conditions:
Hereditary cancer-predisposing syndrome. Also called: Neoplastic Syndromes, Hereditary; Hereditary neoplastic syndrome; Hereditary Cancer Syndrome; Tumor predisposition. Identifiers: Orphanet 140162, MedGen C0027672, MeSH D009386, MONDO:0015356.
Hereditary breast ovarian cancer syndrome. Also called: Hereditary breast and ovarian cancer syndrome (HBOC); Hereditary breast and ovarian cancer syndrome; Hereditary breast and ovarian cancer; Breast and ovarian cancer; BRCA1- and BRCA2-Associated Hereditary Breast and Ovarian Cancer; Hereditary breast and/or ovarian cancer syndrome. Identifiers: Orphanet 145, MedGen C0677776, MeSH D061325, MONDO:0003582. Disease mechanism: loss of function.
Familial cancer of breast. Also called: hereditary breast carcinoma; BREAST CANCER, FAMILIAL; Hereditary breast cancer. Identifiers: Orphanet 227535, MedGen C0346153, MONDO:0016419, OMIM 114480. Disease mechanism: loss of function.

Submissions (6):

Labcorp Genetics (formerly Invitae), Labcorp
Classification: Pathogenic for Familial cancer of breast. Last evaluated: 2024-06-15. Review status: criteria provided, single submitter. Criteria: Invitae Variant Classification Sherloc (09022015). Collection method: clinical testing. Allele origin: germline.
Comment: This sequence change creates a premature translational stop signal (p.Lys287Argfs*17) in the CHEK2 gene. RNA analysis indicates that this premature translational stop signal induces altered splicing and may result in an absent or disrupted protein product. This variant is not present in population databases (gnomAD no frequency). This variant has not been reported in the literature in individuals affected with CHEK2-related conditions. ClinVar contains an entry for this variant (Variation ID: 265686). Studies have shown that this premature translational stop signal results in skipping of exon 8 and introduces a premature termination codon (Invitae). The resulting mRNA is expected to undergo nonsense-mediated decay. For these reasons, this variant has been classified as Pathogenic.

Myriad Genetics, Inc.
Classification: Pathogenic for Familial cancer of breast. Last evaluated: 2023-03-08. Review status: criteria provided, single submitter. Criteria: Myriad Autosomal Dominant, Autosomal Recessive and X-Linked Classification Criteria (2023). Collection method: clinical testing. Allele origin: unknown.
Comment: This variant is considered pathogenic. This variant creates a frameshift predicted to result in premature protein truncation.

Ambry Genetics
Classification: Pathogenic for Hereditary cancer-predisposing syndrome. Last evaluated: 2023-01-09. Review status: criteria provided, single submitter. Criteria: Ambry Variant Classification Scheme 2023. Collection method: clinical testing. Allele origin: germline.
Comment: The c.860delA pathogenic mutation, located in coding exon 7 of the CHEK2 gene, results from a deletion of one nucleotide at nucleotide position 860, causing a translational frameshift with a predicted alternate stop codon (p.K287Rfs*17). This alteration is expected to result in loss of function by premature protein truncation or nonsense-mediated mRNA decay. As such, this alteration is interpreted as a disease-causing mutation.

Women's Health and Genetics/Laboratory Corporation of America, LabCorp
Classification: Likely pathogenic for Hereditary breast and ovarian cancer syndrome. Last evaluated: 2020-09-29. Review status: criteria provided, single submitter. Criteria: LabCorp Variant Classification Summary - May 2015. Collection method: clinical testing. Allele origin: germline.
Comment: Variant summary: CHEK2 c.860delA (p.Lys287ArgfsX17) results in a premature termination codon, predicted to cause a truncation of the encoded protein or absence of the protein due to nonsense mediated decay, which are commonly known mechanisms for disease. Truncations downstream of this position have been classified as pathogenic by our laboratory. The variant was absent in 225074 control chromosomes (gnomAD). c.860delA has been reported in the literature to be found in a cohort of women with ovarian cancer (Arvai_2019). These report(s) do not provide unequivocal conclusions about association of the variant with Hereditary Breast and Ovarian Cancer Syndrome. To our knowledge, no experimental evidence demonstrating an impact on protein function has been reported. Three clinical diagnostic laboratories have submitted clinical-significance assessments for this variant to ClinVar after 2014 without evidence for independent evaluation, and all of them classified the variant as pathogenic (1x) / likely pathogenic (2x). Based on the evidence outlined above, the variant was classified as likely pathogenic.

GeneDx
Classification: Likely pathogenic. Last evaluated: 2016-08-17. Review status: criteria provided, single submitter. Criteria: GeneDx Variant Classification (06012015). Collection method: clinical testing. Allele origin: germline. Affected: yes.
Comment: This deletion of one nucleotide in CHEK2 is denoted c.860delA at the cDNA level and p.Lys287ArgfsX17 (K287RfsX17) at the protein level. The normal sequence, with the base that is deleted in braces, is ATCA[A]GATT. The deletion causes a frameshift which changes a Lysine to an Arginine at codon 287, and creates a premature stop codon at position 17 of the new reading frame. Although this variant has not, to our knowledge, been reported in the literature, it is predicted to cause loss of normal protein function through either protein truncation or nonsense-mediated mRNA decay. Based on the currently available information, we consider this deletion to be a likely pathogenic variant.

Counsyl
Classification: Likely pathogenic for Familial cancer of breast. Last evaluated: 2016-09-29. Review status: no assertion criteria provided. Collection method: clinical testing. Allele origin: unknown. Not counted in ClinVar's aggregate classification.

Literature cited by the submitters: PubMed 31341520 (cited by Women's Health and Genetics/Laboratory Corporation of America, LabCorp).

NM_007194.4(CHEK2):c.860del (p.Lys287fs)

Gene: CHEK2 (checkpoint kinase 2; minus strand). Cytogenetic location: 22q12.1.
Variant type: Deletion.
Coding change: c.860del on transcript NM_007194.4 (MANE Select); coding-DNA position 860, one base deleted (A; older notation c.860delA).
Protein change: p.Lys287fs; shifts the reading frame from lysine 287.
Molecular consequence: frameshift variant.
Genome position (GRCh38, 1-based): chr22:28,703,553, T deleted on the plus strand (A on the coding strand, the reverse complement: CHEK2 is on the minus strand); the first of 2 consecutive T bases (chr22:28,703,553-28,703,554); deleting either gives the same sequence. VCF-style (leftmost placement, unchanged base first): chr22-28703552-CT-C. GRCh37 (hg19) VCF-style: chr22-29099540-CT-C.
Other names: c.860del (NM_007194.3); c.988delA, p.Lys330Argfs (NM_001005735.3); c.196delA, p.Lys66Argfs (NM_001257387.3); c.658delA, p.Lys220Argfs (NM_001349956.3); c.859delA, p.Lys287Argfs (NM_145862.3); short protein forms K330fs, K220fs, K287fs, K66fs.
Identifiers: ClinVar variation 265686 (VCV000265686.17), dbSNP rs886039731, ClinGen allele CA10588721.